The following is an entry in ClinVar:

NM_004104.5(FASN):c.1459G>A (p.Ala487Thr)

Gene: FASN (fatty acid synthase; minus strand). Cytogenetic location: 17q25.3.
Variant type: single nucleotide variant.
Coding change: c.1459G>A on transcript NM_004104.5 (MANE Select); coding-DNA position 1459, G replaced by A.
Protein change: p.Ala487Thr; replaces alanine 487 with threonine.
Molecular consequence: missense variant.
Genome position (GRCh38, 1-based): chr17:82,091,255, C>T on the plus strand (G>A on the coding strand, the complement: FASN is on the minus strand). VCF-style: chr17-82091255-C-T. GRCh37 (hg19) VCF-style: chr17-80049131-C-T.
Other names: c.1459G>A (NM_004104.4); short protein forms A487T.
Identifiers: ClinVar variation 1507994 (VCV001507994.9), dbSNP rs372434423, ClinGen allele CA8853162.

ClinVar aggregate classification (germline): Uncertain significance. Review status: criteria provided, multiple submitters, no conflicts (2 of 4 stars). 2 submissions from 2 submitters: Uncertain significance (2). Last evaluated 2025-11-23.

Conditions:
Epileptic encephalopathy. Identifiers: MedGen C0543888, HP:0200134.

Allele frequency attached by ClinVar (database versions not stated): ExAC 0.00005; gnomAD exomes 0.00005; ESP Exome Variant Server 0.00015.

Submissions (2):

Ambry Genetics
Classification: Uncertain significance. Last evaluated: 2025-11-23. Review status: criteria provided, single submitter. Criteria: Ambry Variant Classification Scheme 2023. Collection method: clinical testing. Allele origin: germline.

Labcorp Genetics (formerly Invitae), Labcorp
Classification: Uncertain significance for Epileptic encephalopathy. Last evaluated: 2025-08-11. Review status: criteria provided, single submitter. Criteria: Invitae Variant Classification Sherloc (09022015). Collection method: clinical testing. Allele origin: germline.
Comment: This sequence change replaces alanine, which is neutral and non-polar, with threonine, which is neutral and polar, at codon 487 of the FASN protein (p.Ala487Thr). This variant is present in population databases (rs372434423, gnomAD 0.02%). This variant has not been reported in the literature in individuals affected with FASN-related conditions. ClinVar contains an entry for this variant (Variation ID: 1507994). An algorithm developed to predict the effect of missense changes on protein structure and function outputs the following: PolyPhen-2: "Benign". The threonine amino acid residue is found in multiple mammalian species, which suggests that this missense change does not adversely affect protein function. In summary, the available evidence is currently insufficient to determine the role of this variant in disease. Therefore, it has been classified as a Variant of Uncertain Significance.